The following is an entry in ClinVar:

NM_199242.3(UNC13D):c.1024A>G (p.Lys342Glu)

Gene: UNC13D (unc-13 homolog D; minus strand). Cytogenetic location: 17q25.1.
Variant type: single nucleotide variant.
Coding change: c.1024A>G on transcript NM_199242.3 (MANE Select); coding-DNA position 1024, A replaced by G.
Protein change: p.Lys342Glu; replaces lysine 342 with glutamic acid.
Molecular consequence: missense variant.
Genome position (GRCh38, 1-based): chr17:75,839,870, T>C on the plus strand (A>G on the coding strand, the complement: UNC13D is on the minus strand). VCF-style: chr17-75839870-T-C. GRCh37 (hg19) VCF-style: chr17-73835951-T-C.
Other names: short protein forms K342E.
Identifiers: ClinVar variation 2180779 (VCV002180779.2), dbSNP rs746551714, ClinGen allele CA8773164.
Genomic context (GRCh38, chr17:75,839,870, plus strand): 5'-AGGGGTTCTGCCCAGGGCTGTGTACTCACGCCATGGACTGGTGGAAGTCGGATAGGTCCT[T>C]CTGTGTGGCGTGCAGAAAGAGGACGGTGGCAGCCTGGGGACTCAGCGACCCGTCCCAGGA-3'
Protein context (NP_954712.1, residues 332-352): ATVLFLHATQ[Lys342Glu]DLSDFHQSMA

ClinVar aggregate classification (germline): Uncertain significance. Review status: criteria provided, multiple submitters, no conflicts (2 of 4 stars). 2 submissions from 2 submitters: Uncertain significance (2). Last evaluated 2023-09-11.

Conditions:
UNC13D-related disorder. Also called: UNC13D-related condition.
Familial hemophagocytic lymphohistiocytosis 3 (FHL3). Also called: UNC13D-Related Familial Hemophagocytic Lymphohistiocytosis (UNC13D-fHLH). Identifiers: Orphanet 540, MedGen C1837174, MONDO:0012146, OMIM 608898.

Allele frequency attached by ClinVar (database versions not stated): gnomAD exomes below 0.00001; ExAC 0.00001.
gnomAD v4.1: 1 of 1,613,880 alleles (0.000062%); highest among the groups gnomAD compares: East Asian, 0.0022%; no homozygotes.

Submissions (2):

PreventionGenetics, part of Exact Sciences
Classification: Uncertain significance for UNC13D-related condition. Last evaluated: 2023-09-11. Review status: criteria provided, single submitter. Criteria: ACMG Guidelines, 2015. Collection method: clinical testing. Allele origin: germline.
Comment: The UNC13D c.1024A>G variant is predicted to result in the amino acid substitution p.Lys342Glu. To our knowledge, this variant has not been reported in the literature. This variant is reported in 0.011% of alleles in individuals of East Asian descent in gnomAD. At this time, the clinical significance of this variant is uncertain due to the absence of conclusive functional and genetic evidence.

Labcorp Genetics (formerly Invitae), Labcorp
Classification: Uncertain significance for Familial hemophagocytic lymphohistiocytosis 3. Last evaluated: 2022-05-20. Review status: criteria provided, single submitter. Criteria: Invitae Variant Classification Sherloc (09022015). Collection method: clinical testing. Allele origin: germline.
Comment: This sequence change replaces lysine, which is basic and polar, with glutamic acid, which is acidic and polar, at codon 342 of the UNC13D protein (p.Lys342Glu). This variant is present in population databases (rs746551714, gnomAD 0.01%). This variant has not been reported in the literature in individuals affected with UNC13D-related conditions. Algorithms developed to predict the effect of missense changes on protein structure and function are either unavailable or do not agree on the potential impact of this missense change (SIFT: "Not Available"; PolyPhen-2: "Probably Damaging"; Align-GVGD: "Not Available"). In summary, the available evidence is currently insufficient to determine the role of this variant in disease. Therefore, it has been classified as a Variant of Uncertain Significance.